The following is an entry in ClinVar:

NM_001040142.2(SCN2A):c.330C>A (p.Tyr110Ter)

Gene: SCN2A (sodium voltage-gated channel alpha subunit 2; plus strand). Cytogenetic location: 2q24.3.
Variant type: single nucleotide variant.
Coding change: c.330C>A on transcript NM_001040142.2 (MANE Select); coding-DNA position 330, C replaced by A.
Protein change: p.Tyr110Ter; replaces tyrosine 110 with a stop codon.
Molecular consequence: nonsense.
Genome position (GRCh38, 1-based): chr2:165,297,079, C>A. VCF-style: chr2-165297079-C-A. GRCh37 (hg19) VCF-style: chr2-166153589-C-A.
Other names: c.330C>A, p.Tyr110Ter (NM_001040143.2, NM_001371246.1, NM_001371247.1 and 1 more transcripts); short protein forms Y110*.
Identifiers: ClinVar variation 1173107 (VCV001173107.4), dbSNP rs2106151184, ClinGen allele CA349011603.
Genomic context (GRCh38, chr2:165,297,079, plus strand): 5'-GTTTATAGTATTGAATAAAGGGAAAGCAATCTCTCGATTCAGTGCCACCCCTGCCCTTTA[C>A]ATTTTAACTCCCTTCAACCCTATTAGAAAATTAGCTATTAAGATTTTGGTACATTCATAT-3'

ClinVar aggregate classification (germline): Pathogenic (1 of 4 stars; one submission).

Conditions:
Developmental and epileptic encephalopathy, 11 (DEE11). Also called: Early infantile epileptic encephalopathy 11. Identifiers: Orphanet 1934, MedGen C3150987, MONDO:0013388, OMIM 613721.

Submission:

Diagnostics Services (NGS), CSIR - Centre For Cellular And Molecular Biology
Classification: Pathogenic for Developmental and epileptic encephalopathy, 11. Last evaluated: 2021-05-21. Review status: criteria provided, single submitter. Criteria: ACMG Guidelines, 2015. Collection method: clinical testing. Allele origin: unknown. Inheritance: Autosomal dominant inheritance. Affected: yes. Observed: 1 variant allele, 1 heterozygote.
Comment: The c.330C>A nonsense variant is not present in publicly available population databases like 1000 Genomes, Exome Variant Server (EVS), Exome Aggregation Consortium (ExAC), Genome Aggregation Database (gnomAD) and dbSNP. The variant is also not present in Indian Exome Database [Kausthubham et al. Hum Mutat, 2021] and in our in-house exome database. The variant was not earlier reported to ClinVar, Human Genome Mutation Database and/or OMIM databases in any affected individuals. In-silico pathogenicity prediction programs like MutationTaster2, CADD, Varsome, InterVar etc. predicted this variant to be likely disease causing. The variant qualifies all the crtieria of ACMG guidelinesto be classified as pathogenic.